The following is an entry in ClinVar:

NM_000081.4(LYST):c.10027C>T (p.Gln3343Ter)

Genes: LYST (lysosomal trafficking regulator; minus strand), LOC126806063 (MED14-independent group 3 enhancer GRCh37_chr1:235871544-235872743; plus strand). Cytogenetic location: 1q42.3.
Variant type: single nucleotide variant.
Coding change: c.10027C>T on transcript NM_000081.4 (MANE Select); coding-DNA position 10027, C replaced by T.
Protein change: p.Gln3343Ter; replaces glutamine 3343 with a stop codon.
Molecular consequence: nonsense.
Genome position (GRCh38, 1-based): chr1:235,709,207, G>A on the plus strand (C>T on the coding strand, the complement: LYST is on the minus strand). VCF-style: chr1-235709207-G-A. GRCh37 (hg19) VCF-style: chr1-235872507-G-A.
Other names: c.10027C>T, p.Gln3343Ter (NM_001301365.1); short protein forms Q3343*.
Identifiers: ClinVar variation 2854347 (VCV002854347.3), dbSNP rs2527363889, ClinGen allele CA344935272.

ClinVar aggregate classification (germline): Pathogenic (1 of 4 stars; one submission).

Conditions:
Chédiak-Higashi syndrome (CHS). Also called: Chediak-Higashi Syndrome. Identifiers: Orphanet 167, MedGen C0007965, MONDO:0008963, OMIM 214500.

Allele frequency attached by ClinVar (database versions not stated): gnomAD exomes below 0.00001.
gnomAD v4.1: 2 of 1,614,184 alleles (0.00012%); highest among the groups gnomAD compares: Non-Finnish European, 0.00017%; no homozygotes.

Submission:

Labcorp Genetics (formerly Invitae), Labcorp
Classification: Pathogenic for Chédiak-Higashi syndrome. Last evaluated: 2023-04-09. Review status: criteria provided, single submitter. Criteria: Invitae Variant Classification Sherloc (09022015). Collection method: clinical testing. Allele origin: germline.
Comment: For these reasons, this variant has been classified as Pathogenic. This variant has not been reported in the literature in individuals affected with LYST-related conditions. This variant is not present in population databases (gnomAD no frequency). This sequence change creates a premature translational stop signal (p.Gln3343*) in the LYST gene. It is expected to result in an absent or disrupted protein product. Loss-of-function variants in LYST are known to be pathogenic (PMID: 9215679, 11857544).

Literature cited by the submitters: PubMed 9215679; PubMed 11857544.